The following is an entry in ClinVar:

NM_018341.3(ERMARD):c.563T>C (p.Val188Ala)

Gene: ERMARD (ER membrane associated RNA degradation; plus strand). Cytogenetic location: 6q27.
Variant type: single nucleotide variant.
Coding change: c.563T>C on transcript NM_018341.3 (MANE Select); coding-DNA position 563, T replaced by C.
Protein change: p.Val188Ala; replaces valine 188 with alanine.
Molecular consequence: missense variant.
Genome position (GRCh38, 1-based): chr6:169,759,023, T>C. VCF-style: chr6-169759023-T-C. GRCh37 (hg19) VCF-style: chr6-170159119-T-C.
Other names: c.563T>C, p.Val188Ala (NM_001278531.2, NM_001278533.2); c.185T>C, p.Val62Ala (NM_001278532.2); short protein forms V188A, V62A.
Identifiers: ClinVar variation 446063 (VCV000446063.8), dbSNP rs74451194, ClinGen allele CA4105896.
Genomic context (GRCh38, chr6:169,759,023, plus strand): 5'-ATTAGATGAATGTGCTAAAAGTCTTCGTTGGCTCTCCGTGTGGTCTCAACCTGCGTAACG[T>C]CTTATGGCATGGGTTTGCGTCACCTGAAGAAATTCCTCCAAAGTAAGTTGCAAGTGAAGA-3'
Protein context (NP_060811.1, residues 178-198): GSPCGLNLRN[Val188Ala]LWHGFASPEE

ClinVar aggregate classification (germline): Conflicting classifications of pathogenicity. Review status: criteria provided, conflicting classifications (1 of 4 stars). 4 submissions from 4 submitters: Uncertain significance (2); Likely benign (1). 1 of the submissions does not count toward it. Last evaluated 2025-04-17.

Conditions:
ERMARD-related disorder. Also called: ERMARD-related condition.

Allele frequency attached by ClinVar (database versions not stated): gnomAD exomes 0.00005 and 0.00014; ExAC 0.00021; 1000 Genomes Project 0.00040; gnomAD 0.00050 and 0.00052; TOPMed 0.00062; ESP Exome Variant Server 0.00108.
gnomAD v4.1: 152 of 1,614,036 alleles (0.0094%); highest among the groups gnomAD compares: African/African-American, 0.18%; no homozygotes.

Submissions (4):

Labcorp Genetics (formerly Invitae), Labcorp
Classification: Uncertain significance. Last evaluated: 2025-04-17. Review status: criteria provided, single submitter. Criteria: Invitae Variant Classification Sherloc (09022015). Collection method: clinical testing. Allele origin: germline.
Comment: This sequence change replaces valine, which is neutral and non-polar, with alanine, which is neutral and non-polar, at codon 188 of the ERMARD protein (p.Val188Ala). This variant is present in population databases (rs74451194, gnomAD 0.2%), and has an allele count higher than expected for a pathogenic variant. This variant has not been reported in the literature in individuals affected with ERMARD-related conditions. ClinVar contains an entry for this variant (Variation ID: 446063). Invitae Evidence Modeling of protein sequence and biophysical properties (such as structural, functional, and spatial information, amino acid conservation, physicochemical variation, residue mobility, and thermodynamic stability) indicates that this missense variant is expected to disrupt ERMARD protein function with a positive predictive value of 80%. In summary, the available evidence is currently insufficient to determine the role of this variant in disease. Therefore, it has been classified as a Variant of Uncertain Significance.

GeneDx
Classification: Likely benign. Last evaluated: 2018-06-04. Review status: criteria provided, single submitter. Criteria: GeneDx Variant Classification (06012015). Collection method: clinical testing. Allele origin: germline. Affected: yes.
Comment: This variant is considered likely benign or benign based on one or more of the following criteria: it is a conservative change, it occurs at a poorly conserved position in the protein, it is predicted to be benign by multiple in silico algorithms, and/or has population frequency not consistent with disease.

Center for Pediatric Genomic Medicine, Children's Mercy Hospital and Clinics
Classification: Uncertain significance. Last evaluated: 2017-07-19. Review status: criteria provided, single submitter. Criteria: ACMG Guidelines, 2015. Collection method: clinical testing. Allele origin: germline.

PreventionGenetics, part of Exact Sciences
Classification: Likely benign for ERMARD-related condition. Last evaluated: 2019-11-12. Review status: no assertion criteria provided. Collection method: clinical testing. Allele origin: germline. Not counted in ClinVar's aggregate classification.
Comment: This variant is classified as likely benign based on ACMG/AMP sequence variant interpretation guidelines (Richards et al. 2015 PMID: 25741868, with internal and published modifications).